The following is an entry in ClinVar:

NM_004260.4(RECQL4):c.3353G>A (p.Gly1118Asp)

Gene: RECQL4 (RecQ like helicase 4; minus strand). Cytogenetic location: 8q24.3.
Variant type: single nucleotide variant.
Coding change: c.3353G>A on transcript NM_004260.4 (MANE Select); coding-DNA position 3353, G replaced by A.
Protein change: p.Gly1118Asp; replaces glycine 1118 with aspartic acid.
Molecular consequence: missense variant.
Genome position (GRCh38, 1-based): chr8:144,511,951, C>T on the plus strand (G>A on the coding strand, the complement: RECQL4 is on the minus strand). VCF-style: chr8-144511951-C-T. GRCh37 (hg19) VCF-style: chr8-145737334-C-T.
Other names: short protein forms G1118D.
Identifiers: ClinVar variation 970178 (VCV000970178.11), dbSNP rs1276726206, ClinGen allele CA372668338.

ClinVar aggregate classification (germline): Conflicting classifications of pathogenicity. Review status: criteria provided, conflicting classifications (1 of 4 stars). 3 submissions from 3 submitters: Uncertain significance (2); Likely benign (1). Last evaluated 2025-01-02.

Conditions:
Baller-Gerold syndrome (BGS). Also called: CRANIOSYNOSTOSIS WITH RADIAL DEFECTS. Identifiers: Orphanet 1225, MedGen C0265308, MONDO:0009039, OMIM 218600.
Inborn genetic diseases. Identifiers: MedGen C0950123, MeSH D030342.

Allele frequency attached by ClinVar (database versions not stated): gnomAD exomes below 0.00001.

Submissions (3):

Ambry Genetics
Classification: Likely benign for Inborn genetic diseases. Last evaluated: 2025-01-02. Review status: criteria provided, single submitter. Criteria: Ambry Variant Classification Scheme 2023. Collection method: clinical testing. Allele origin: germline.

Labcorp Genetics (formerly Invitae), Labcorp
Classification: Uncertain significance for Baller-Gerold syndrome. Last evaluated: 2024-05-20. Review status: criteria provided, single submitter. Criteria: Invitae Variant Classification Sherloc (09022015). Collection method: clinical testing. Allele origin: germline.
Comment: This sequence change replaces glycine with aspartic acid at codon 1118 of the RECQL4 protein (p.Gly1118Asp). The glycine residue is moderately conserved and there is a moderate physicochemical difference between glycine and aspartic acid. This variant is present in population databases (no rsID available, gnomAD 0.0009%). This variant has not been reported in the literature in individuals affected with RECQL4-related conditions. ClinVar contains an entry for this variant (Variation ID: 970178). Experimental studies and prediction algorithms are not available or were not evaluated, and the functional significance of this variant is currently unknown. In summary, the available evidence is currently insufficient to determine the role of this variant in disease. Therefore, it has been classified as a Variant of Uncertain Significance.

Genetic Services Laboratory, University of Chicago
Classification: Uncertain significance. Last evaluated: 2021-09-17. Review status: criteria provided, single submitter. Criteria: ACMG Guidelines, 2015. Collection method: clinical testing. Allele origin: germline. Affected: no.
Comment: DNA sequence analysis of the RECQL4 gene demonstrated a sequence change, c.3353G>A, in exon 19 that results in an amino acid change, p.Gly1118Asp. This sequence change has been described in the gnomAD database in a single heterozygous individual which corresponds to population frequency of 0.00041% (dbSNP rs1276726206). The p.Gly1118Asp change affects a moderately conserved amino acid residue located in a domain of the RECQL4 protein that is not known to be functional. In-silico pathogenicity prediction tools (SIFT, PolyPhen2, Align GVGD, REVEL) provide contradictory results for the p.Gly1118Asp substitution. This sequence change does not appear to have been previously described in individuals with RECQL4-related disorders. Due to insufficient evidences and the lack of functional studies, the clinical significance of the p.Gly1118Asp change remains unknown at this time.